The following is an entry in ClinVar:

NM_001457.4(FLNB):c.4713_4715del (p.Asn1571del)

Gene: FLNB (filamin B; plus strand). Cytogenetic location: 3p14.3.
Variant type: Deletion.
Coding change: c.4713_4715del on transcript NM_001457.4 (MANE Select); coding-DNA positions 4713 to 4715, 3 bases deleted (TAA; older notation c.4713_4715delTAA).
Protein change: p.Asn1571del; deletes asparagine 1571.
Molecular consequence: inframe deletion.
Genome position (GRCh38, 1-based): chr3:58,136,020-58,136,022, TAA deleted; deleting any 3 consecutive bases within chr3:58,136,018-58,136,022 gives the same sequence; the c. name uses the placement nearest the transcript's 3' end. VCF-style (leftmost placement, unchanged base first): chr3-58136017-CAAT-C. GRCh37 (hg19) VCF-style: chr3-58121744-CAAT-C.
Other names: N1571delN; c.4806_4808del, p.Asn1602del (NM_001164317.2); c.4713_4715del, p.Asn1571del (NM_001164318.2, NM_001164319.2); short protein forms N1571del, N1602del.
Identifiers: ClinVar variation 21283 (VCV000021283.3), dbSNP rs80356512, ClinGen allele CA341843.
Genomic context (GRCh38, chr3:58,136,017, plus strand): 5'-AGCATTTCTCTATGATCCACAGGACCAAGAAGGAAAACCCAAAAGAGCCATTGTCCATGA[CAAT>C]AAAGATGGCACGTATGCTGTCACCTACATCCCCGACAAGACTGGGCGCTATATGATTGGA-3'

ClinVar aggregate classification (germline): Likely pathogenic. Review status: criteria provided, single submitter (1 of 4 stars). 2 submissions from 2 submitters: Likely pathogenic (1). 1 of the submissions does not count toward it. Last evaluated 2026-03-10.

Conditions:
Larsen syndrome (LRS). Also called: Bilateral dislocation of the knees, pes cavus, cylindrically shaped fingers and characteristic facies; Larsen syndrome (FLNB-LS). Identifiers: Orphanet 503, MedGen C0175778, MONDO:0007875, OMIM 150250. Disease mechanism: loss of function.

Submissions (2):

Clinical Biomedical Laboratory, Shriners Hospital For Children - Canada
Classification: Likely pathogenic for Larsen syndrome. Last evaluated: 2026-03-10. Review status: criteria provided, single submitter. Criteria: ACMG Guidelines, 2015. Collection method: clinical testing. Allele origin: germline. Affected: yes.
Comment: This variant is predicted to introduce an in-frame deletion. This variant is absent from general population databases (Genome Aggregation Database v2.1.1), indicating it is rare. This variant has been reported in the literature (PMID: 14991055, 16801345) in individuals with Larsen syndrome. The variant affects a domain where several amino acid changes are associated with Larsen syndrome. Based on the ACMG variant interpretation guidelines, the available evidence supports classification of this variant as likely pathogenic.

GeneReviews
No classification provided. Condition: Larsen syndrome. Review status: no classification provided. Collection method: literature only. Allele origin: unknown. Not counted in ClinVar's aggregate classification.

Literature cited by the submitters: PubMed 14991055 (cited by Clinical Biomedical Laboratory, Shriners Hospital For Children - Canada); PubMed 16801345 (cited by Clinical Biomedical Laboratory, Shriners Hospital For Children - Canada); PubMed 20301736 (cited by GeneReviews); NCBI Bookshelf NBK2534 (cited by GeneReviews).